The following is an entry in ClinVar:

ClinVar aggregate classification (germline): Uncertain significance (1 of 4 stars; one submission).

Conditions:
NRP2-related disorder. Also called: NRP2-related condition.

gnomAD v4.1: 2 of 1,614,134 alleles (0.00012%); highest among the groups gnomAD compares: East Asian, 0.0045%; no homozygotes.

Submission:

PreventionGenetics, part of Exact Sciences
Classification: Uncertain significance for NRP2-related condition. Last evaluated: 2025-11-17. Review status: criteria provided, single submitter. Criteria: ACMG Guidelines, 2015. Collection method: clinical testing. Allele origin: germline.
Comment: The NRP2 c.2330G>A variant is predicted to result in the amino acid substitution p.Gly777Glu. To our knowledge, this variant has not been reported in the literature or in a large population database (gnomAD), indicating this variant is rare. At this time, the clinical significance of this variant is uncertain due to the absence of conclusive functional and genetic evidence.

NM_003872.3(NRP2):c.2330G>A (p.Gly777Glu)

Gene: NRP2 (neuropilin 2; plus strand). Cytogenetic location: 2q33.3.
Variant type: single nucleotide variant.
Coding change: c.2330G>A on transcript NM_003872.3 (MANE Select); coding-DNA position 2330, G replaced by A.
Protein change: p.Gly777Glu; replaces glycine 777 with glutamic acid.
Molecular consequence: missense variant.
Genome position (GRCh38, 1-based): chr2:205,765,496, G>A. VCF-style: chr2-205765496-G-A. GRCh37 (hg19) VCF-style: chr2-206630220-G-A.
Other names: c.2330G>A, p.Gly777Glu (NM_018534.4, NM_201266.2, NM_201267.2 and 1 more transcripts); short protein forms G777E.
Identifiers: ClinVar variation 4990529 (VCV004990529.1).